The following is an entry in ClinVar:

ClinVar aggregate classification (germline): Uncertain significance (1 of 4 stars; one submission).

Conditions:
Inborn genetic diseases. Identifiers: MedGen C0950123, MeSH D030342.

Allele frequency attached by ClinVar (database versions not stated): TOPMed 0.00001; ExAC 0.00002.
gnomAD v4.1: 10 of 1,613,202 alleles (0.00062%); highest among the groups gnomAD compares: South Asian, 0.0077%; no homozygotes.

Submission:

Ambry Genetics
Classification: Uncertain significance for Inborn genetic diseases. Last evaluated: 2023-10-08. Review status: criteria provided, single submitter. Criteria: Ambry Variant Classification Scheme 2023. Collection method: clinical testing. Allele origin: germline.
Comment: The p.P1729L variant (also known as c.5186C>T), located in coding exon 36 of the LRRK2 gene, results from a C to T substitution at nucleotide position 5186. The proline at codon 1729 is replaced by leucine, an amino acid with similar properties. This amino acid position is conserved. In addition, this alteration is predicted to be deleterious by in silico analysis. Since supporting evidence is limited at this time, the clinical significance of this alteration remains unclear.

NM_198578.4(LRRK2):c.5186C>T (p.Pro1729Leu)

Gene: LRRK2 (leucine rich repeat kinase 2; plus strand). Cytogenetic location: 12q12.
Variant type: single nucleotide variant.
Coding change: c.5186C>T on transcript NM_198578.4 (MANE Select); coding-DNA position 5186, C replaced by T.
Protein change: p.Pro1729Leu; replaces proline 1729 with leucine.
Molecular consequence: missense variant.
Genome position (GRCh38, 1-based): chr12:40,322,050, C>T. VCF-style: chr12-40322050-C-T. GRCh37 (hg19) VCF-style: chr12-40715852-C-T.
Other names: short protein forms P1729L.
Identifiers: ClinVar variation 1745882 (VCV001745882.2), dbSNP rs754239690, ClinGen allele CA6514393.
Genomic context (GRCh38, chr12:40,322,050, plus strand): 5'-CTTTAACTTAGGAAGCAGTTAATAATTAATGGCTCCATTTTTTAGAACGAGCACTTCGCC[C>T]AAACAGAATGTATTGGCGACAAGGCATTTACTTAAATTGGTCTCCTGAAGCTTATTGTCT-3'
Protein context (NP_940980.4, residues 1719-1739): MLSGRERALR[Pro1729Leu]NRMYWRQGIY